The following is an entry in ClinVar:

NM_001303256.3(MORC2):c.1832A>G (p.Gln611Arg)

Gene: MORC2 (MORC family CW-type zinc finger 2; minus strand). Cytogenetic location: 22q12.2.
Variant type: single nucleotide variant.
Coding change: c.1832A>G on transcript NM_001303256.3 (MANE Select); coding-DNA position 1832, A replaced by G.
Protein change: p.Gln611Arg; replaces glutamine 611 with arginine.
Molecular consequence: missense variant.
Genome position (GRCh38, 1-based): chr22:30,935,142, T>C on the plus strand (A>G on the coding strand, the complement: MORC2 is on the minus strand). VCF-style: chr22-30935142-T-C. GRCh37 (hg19) VCF-style: chr22-31331129-T-C.
Other names: c.1832A>G, p.Gln611Arg (NM_001303257.2); c.1646A>G, p.Gln549Arg (NM_014941.3); short protein forms Q549R, Q611R.
Identifiers: ClinVar variation 945467 (VCV000945467.8), dbSNP rs751657222, ClinGen allele CA10186824.

ClinVar aggregate classification (germline): Uncertain significance (1 of 4 stars; one submission).

Conditions:
Charcot-Marie-Tooth disease axonal type 2Z. Also called: CHARCOT-MARIE-TOOTH DISEASE, AXONAL, AUTOSOMAL DOMINANT, TYPE 2Z; CHARCOT-MARIE-TOOTH NEUROPATHY, TYPE 2Z. Identifiers: Orphanet 466768, MedGen C5569025, MONDO:0014736, OMIM 616688.

Allele frequency attached by ClinVar (database versions not stated): ExAC 0.00001.

Submission:

Labcorp Genetics (formerly Invitae), Labcorp
Classification: Uncertain significance for Charcot-Marie-Tooth disease axonal type 2Z. Last evaluated: 2024-02-24. Review status: criteria provided, single submitter. Criteria: Invitae Variant Classification Sherloc (09022015). Collection method: clinical testing. Allele origin: germline.
Comment: This sequence change replaces glutamine, which is neutral and polar, with arginine, which is basic and polar, at codon 549 of the MORC2 protein (p.Gln549Arg). The frequency data for this variant in the population databases is considered unreliable, as metrics indicate poor data quality at this position in the gnomAD database. This variant has not been reported in the literature in individuals affected with MORC2-related conditions. ClinVar contains an entry for this variant (Variation ID: 945467). Advanced modeling of protein sequence and biophysical properties (such as structural, functional, and spatial information, amino acid conservation, physicochemical variation, residue mobility, and thermodynamic stability) performed at Invitae indicates that this missense variant is not expected to disrupt MORC2 protein function with a negative predictive value of 95%. In summary, the available evidence is currently insufficient to determine the role of this variant in disease. Therefore, it has been classified as a Variant of Uncertain Significance.